The following is an entry in ClinVar:

NM_182961.4(SYNE1):c.21077A>C (p.Glu7026Ala)

Gene: SYNE1 (spectrin repeat containing nuclear envelope protein 1; minus strand). Cytogenetic location: 6q25.2.
Variant type: single nucleotide variant.
Coding change: c.21077A>C on transcript NM_182961.4 (MANE Select); coding-DNA position 21077, A replaced by C.
Protein change: p.Glu7026Ala; replaces glutamic acid 7026 with alanine.
Molecular consequence: missense variant.
Genome position (GRCh38, 1-based): chr6:152,230,665, T>G on the plus strand (A>C on the coding strand, the complement: SYNE1 is on the minus strand). VCF-style: chr6-152230665-T-G. GRCh37 (hg19) VCF-style: chr6-152551800-T-G.
Other names: c.20864A>C (NM_033071.3); c.20864A>C, p.Glu6955Ala (NM_033071.5); short protein forms E6955A, E7026A.
Identifiers: ClinVar variation 810010 (VCV000810010.51), dbSNP rs777755452, ClinGen allele CA4054256.
Genomic context (GRCh38, chr6:152,230,665, plus strand): 5'-TTTAGTCTCTTTTCCTGGGTTTCAAACCATGTTTTCAGACATTGTACATTATTTTCATAT[T>G]CTGACCAAGATTCCAATAAGCCTTCCAACAGCTGGATCTGAACAAACACAATAAAATGAA-3'
Protein context (NP_892006.3, residues 7016-7036): LLEGLLESWS[Glu7026Ala]YENNVQCLKT

ClinVar aggregate classification (germline): Uncertain significance. Review status: criteria provided, multiple submitters, no conflicts (2 of 4 stars). 5 submissions from 5 submitters: Uncertain significance (5). Last evaluated 2025-06-13.

Conditions:
Autosomal recessive ataxia, Beauce type. Also called: SYNE1-Related Autosomal Recessive Cerebellar Ataxia; ATAXIA, RECESSIVE, OF BEAUCE; SYNE1 Deficiency; Spinocerebellar ataxia, autosomal recessive 8. Identifiers: Orphanet 88644, MedGen C1853116, MONDO:0012549, OMIM 610743.
Emery-Dreifuss muscular dystrophy 4, autosomal dominant (EDMD4). Also called: EMERY-DREIFUSS MUSCULAR DYSTROPHY 4 WITH VARIABLE FEATURES. Identifiers: Orphanet 261, MedGen C2751807, MONDO:0013071, OMIM 612998.

Allele frequency attached by ClinVar (database versions not stated): ExAC 0.00001; gnomAD 0.00001; gnomAD exomes 0.00001; TOPMed 0.00002.
gnomAD v4.1: 21 of 1,613,952 alleles (0.0013%); highest among the groups gnomAD compares: Admixed American, 0.0033%; no homozygotes.

Submissions (5):

Revvity Omics, Revvity
Classification: Uncertain significance. Last evaluated: 2025-06-13. Review status: criteria provided, single submitter. Criteria: ACMG Guidelines, 2015. Collection method: clinical testing. Allele origin: germline.

Labcorp Genetics (formerly Invitae), Labcorp
Classification: Uncertain significance for Emery-Dreifuss muscular dystrophy 4, autosomal dominant; Autosomal recessive ataxia, Beauce type. Last evaluated: 2023-10-03. Review status: criteria provided, single submitter. Criteria: Invitae Variant Classification Sherloc (09022015). Collection method: clinical testing. Allele origin: germline.
Comment: This sequence change replaces glutamic acid, which is acidic and polar, with alanine, which is neutral and non-polar, at codon 6955 of the SYNE1 protein (p.Glu6955Ala). This variant is present in population databases (rs777755452, gnomAD 0.003%). This variant has not been reported in the literature in individuals affected with SYNE1-related conditions. ClinVar contains an entry for this variant (Variation ID: 810010). An algorithm developed to predict the effect of missense changes on protein structure and function (PolyPhen-2) suggests that this variant is likely to be tolerated. In summary, the available evidence is currently insufficient to determine the role of this variant in disease. Therefore, it has been classified as a Variant of Uncertain Significance.

GeneDx
Classification: Uncertain significance. Last evaluated: 2023-04-13. Review status: criteria provided, single submitter. Criteria: GeneDx Variant Classification Process June 2021. Collection method: clinical testing. Allele origin: germline. Affected: yes.
Comment: Not observed at significant frequency in large population cohorts (gnomAD); In silico analysis supports that this missense variant has a deleterious effect on protein structure/function; Has not been previously published as pathogenic or benign to our knowledge

Baylor Genetics
Classification: Uncertain significance for Autosomal recessive ataxia, Beauce type. Last evaluated: 2022-08-24. Review status: criteria provided, single submitter. Criteria: ACMG Guidelines, 2015. Collection method: clinical testing. Allele origin: unknown.

CeGaT Center for Human Genetics Tuebingen
Classification: Uncertain significance. Last evaluated: 2018-06-01. Review status: criteria provided, single submitter. Criteria: CeGaT Center For Human Genetics Tuebingen Variant Classification Criteria Version 2. Collection method: clinical testing. Allele origin: germline. Affected: yes. Observed: 1 variant allele.